The following is an entry in ClinVar:

NM_015681.6(B9D1):c.472+28C>T

Gene: B9D1 (B9 domain containing 1; minus strand). Cytogenetic location: 17p11.2.
Variant type: single nucleotide variant.
Coding change: c.472+28C>T on transcript NM_015681.6 (MANE Select); 28 bases into the intron after coding-DNA position 472, C replaced by T.
Molecular consequence: intron variant. On other transcripts: missense variant (1).
Genome position (GRCh38, 1-based): chr17:19,343,762, G>A on the plus strand (C>T on the coding strand, the complement: B9D1 is on the minus strand). VCF-style: chr17-19343762-G-A. GRCh37 (hg19) VCF-style: chr17-19247075-G-A.
Other names: NM_001243473.1:c.559C>T; c.500C>T, p.Pro167Leu (NM_001321215.3); c.112+28C>T (NM_001368769.2); c.404+3507C>T (NM_001321219.2); c.472+28C>T (NM_001321218.2, NM_001321217.2, NM_001321214.2 and 1 more transcripts); short protein forms P167L.
Identifiers: ClinVar variation 260675 (VCV000260675.8), dbSNP rs4924987, ClinGen allele CA8440142.
Genomic context (GRCh38, chr17:19,343,762, plus strand): 5'-CCCGGCATTCACCCCAACCCTGGGCCCACCCACTCCCAGGCTGTAACCTGTATGGGGGAT[G>A]GGGGTAAGAGAGGGGAGGGAGCTTTACCTTCCCGGCCTTCACCCTGAGCCACCACCTTGG-3'

ClinVar aggregate classification (germline): Benign. Review status: criteria provided, multiple submitters, no conflicts (2 of 4 stars). 8 submissions from 7 submitters: Benign (6). 2 of the submissions do not count toward it. Last evaluated 2024-11-28.

Conditions:
Meckel syndrome, type 9 (MKS9). Identifiers: Orphanet 564, MedGen C3280155, MONDO:0013630, OMIM 614209.
Joubert syndrome 27 (JBTS27). Identifiers: MedGen C4310706, MONDO:0014927, OMIM 617120.

Allele frequency attached by ClinVar (database versions not stated): 1000 Genomes Project 0.31050; 1000 Genomes Project 30x 0.31309; TOPMed 0.53254; gnomAD 0.56102 and 0.57381; ExAC 0.59940; ESP Exome Variant Server 0.59957; gnomAD exomes 0.59976 and 0.73580.
gnomAD v4.1: 1,158,236 of 1,613,886 alleles (72%); highest among the groups gnomAD compares: Non-Finnish European, 81%; 453,330 homozygotes.

Submissions (8):

Blueprint Genetics
Classification: Benign. Last evaluated: 2024-11-28. Review status: criteria provided, single submitter. Criteria: ACMG Guidelines, 2015. Collection method: clinical testing. Allele origin: germline.

Genome-Nilou Lab
Classification: Benign for Meckel syndrome, type 9. Last evaluated: 2021-07-14. Review status: criteria provided, single submitter. Criteria: ACMG Guidelines, 2015. Collection method: clinical testing. Allele origin: germline. Affected: no.

Genome-Nilou Lab
Classification: Benign for Joubert syndrome 27. Last evaluated: 2021-07-14. Review status: criteria provided, single submitter. Criteria: ACMG Guidelines, 2015. Collection method: clinical testing. Allele origin: germline. Affected: no.

GeneDx
Classification: Benign. Last evaluated: 2016-01-08. Review status: criteria provided, single submitter. Criteria: GeneDx Variant Classification (06012015). Collection method: clinical testing. Allele origin: germline. Affected: yes.
Comment: This variant is considered likely benign or benign based on one or more of the following criteria: it is a conservative change, it occurs at a poorly conserved position in the protein, it is predicted to be benign by multiple in silico algorithms, and/or has population frequency not consistent with disease.

Breakthrough Genomics
Classification: Benign. Review status: criteria provided, single submitter. Criteria: ACMG Guidelines, 2015. Collection method: not provided. Allele origin: germline. Inheritance: Autosomal recessive inheritance. Affected: yes.

PreventionGenetics, part of Exact Sciences
Classification: Benign. Review status: criteria provided, single submitter. Criteria: ACMG Guidelines, 2015. Collection method: clinical testing. Allele origin: germline.

Clinical Genetics DNA and cytogenetics Diagnostics Lab, Erasmus MC, Erasmus Medical Center
Classification: Benign. Review status: no assertion criteria provided. Collection method: clinical testing. Allele origin: germline. Affected: yes. Study: VKGL Data-share Consensus. Not counted in ClinVar's aggregate classification.

Diagnostic Laboratory, Department of Genetics, University Medical Center Groningen
Classification: Benign for Meckel syndrome, type 9. Review status: no assertion criteria provided. Collection method: clinical testing. Allele origin: germline. Affected: yes. Study: VKGL Data-share Consensus. Not counted in ClinVar's aggregate classification.